The following is an entry in ClinVar:

NM_025132.4(WDR19):c.2422G>C (p.Glu808Gln)

Gene: WDR19 (WD repeat domain 19; plus strand). Cytogenetic location: 4p14.
Variant type: single nucleotide variant.
Coding change: c.2422G>C on transcript NM_025132.4 (MANE Select); coding-DNA position 2422, G replaced by C.
Protein change: p.Glu808Gln; replaces glutamic acid 808 with glutamine.
Molecular consequence: missense variant.
Genome position (GRCh38, 1-based): chr4:39,244,248, G>C. VCF-style: chr4-39244248-G-C. GRCh37 (hg19) VCF-style: chr4-39245868-G-C.
Other names: c.1942G>C, p.Glu648Gln (NM_001317924.2); short protein forms E808Q, E648Q.
Identifiers: ClinVar variation 2004250 (VCV002004250.4), dbSNP rs2475268078, ClinGen allele CA356637236.

ClinVar aggregate classification (germline): Uncertain significance (1 of 4 stars; one submission).

Conditions:
Senior-Loken syndrome 8 (SLSN8). Identifiers: Orphanet 3156, MedGen C4225376, MONDO:0014579, OMIM 616307.
Asphyxiating thoracic dystrophy 5 (SRTD5). Also called: SHORT-RIB THORACIC DYSPLASIA 5 WITH OR WITHOUT POLYDACTYLY; SHORT-RIB THORACIC DYSPLASIA 5 WITHOUT POLYDACTYLY. Identifiers: Orphanet 474, MedGen C3280598, MONDO:0013717, OMIM 614376.

Submission:

Labcorp Genetics (formerly Invitae), Labcorp
Classification: Uncertain significance for Senior-Loken syndrome 8; Asphyxiating thoracic dystrophy 5. Last evaluated: 2025-01-06. Review status: criteria provided, single submitter. Criteria: Invitae Variant Classification Sherloc (09022015). Collection method: clinical testing. Allele origin: germline.
Comment: This sequence change replaces glutamic acid, which is acidic and polar, with glutamine, which is neutral and polar, at codon 808 of the WDR19 protein (p.Glu808Gln). This variant is not present in population databases (gnomAD no frequency). This variant has not been reported in the literature in individuals affected with WDR19-related conditions. ClinVar contains an entry for this variant (Variation ID: 2004250). Invitae Evidence Modeling of protein sequence and biophysical properties (such as structural, functional, and spatial information, amino acid conservation, physicochemical variation, residue mobility, and thermodynamic stability) indicates that this missense variant is not expected to disrupt WDR19 protein function with a negative predictive value of 80%. Algorithms developed to predict the effect of sequence changes on RNA splicing suggest that this variant may disrupt the consensus splice site. In summary, the available evidence is currently insufficient to determine the role of this variant in disease. Therefore, it has been classified as a Variant of Uncertain Significance.